The following is an entry in ClinVar:

ClinVar aggregate classification (germline): Likely pathogenic. Review status: criteria provided, multiple submitters, no conflicts (2 of 4 stars). 2 submissions from 2 submitters: Likely pathogenic (2). Last evaluated 2022-10-03.

Conditions:
MSX1-related disorder. Also called: MSX1-related condition.

Submissions (2):

Greenwood Genetic Center Diagnostic Laboratories, Greenwood Genetic Center
Classification: Likely pathogenic for MSX1-related disorder. Last evaluated: 2022-10-03. Review status: criteria provided, single submitter. Criteria: ACMG Guidelines, 2015. Collection method: clinical testing. Allele origin: germline. Affected: yes.
Comment: PVS1, PM2

Blueprint Genetics
Classification: Likely pathogenic for MSX1-related disorders. Last evaluated: 2019-08-28. Review status: criteria provided, single submitter. Criteria: ACMG Guidelines, 2015. Collection method: clinical testing. Allele origin: germline. Affected: yes. Observed: 1 variant allele.

NM_002448.3(MSX1):c.250G>T (p.Glu84Ter)

Genes: MSX1 (msh homeobox 1; plus strand), LOC129992137 (ATAC-STARR-seq lymphoblastoid silent region 15219; plus strand). Cytogenetic location: 4p16.2.
Variant type: single nucleotide variant.
Coding change: c.250G>T on transcript NM_002448.3 (MANE Select); coding-DNA position 250, G replaced by T.
Protein change: p.Glu84Ter; replaces glutamic acid 84 with a stop codon.
Molecular consequence: nonsense.
Genome position (GRCh38, 1-based): chr4:4,860,149, G>T. VCF-style: chr4-4860149-G-T. GRCh37 (hg19) VCF-style: chr4-4861876-G-T.
Other names: short protein forms E84*.
Identifiers: ClinVar variation 2429002 (VCV002429002.5), dbSNP rs1464389153, ClinGen allele CA356137466.